The following is an entry in ClinVar:

ClinVar aggregate classification (germline): Pathogenic (1 of 4 stars; one submission).

Conditions:
Fanconi anemia (FA). Also called: Fanconi's anemia. Identifiers: Orphanet 84, MedGen C0015625, MeSH D005199, MONDO:0019391.

Submission:

Labcorp Genetics (formerly Invitae), Labcorp
Classification: Pathogenic for Fanconi anemia. Last evaluated: 2018-07-28. Review status: criteria provided, single submitter. Criteria: Invitae Variant Classification Sherloc (09022015). Collection method: clinical testing. Allele origin: germline.
Comment: This sequence change creates a premature translational stop signal (p.Arg609Glufs*4) in the FANCA gene. It is expected to result in an absent or disrupted protein product. This variant is not present in population databases (ExAC no frequency). This variant has not been reported in the literature in individuals with FANCA-related disease. Loss-of-function variants in FANCA are known to be pathogenic (PMID: 19367192). For these reasons, this variant has been classified as Pathogenic.

Literature cited by the submitters: PubMed 19367192.

NM_000135.4(FANCA):c.1824dup (p.Arg609fs)

Gene: FANCA (FA complementation group A; minus strand). Cytogenetic location: 16q24.3.
Variant type: Duplication.
Coding change: c.1824dup on transcript NM_000135.4 (MANE Select); coding-DNA position 1824, one base duplicated (G; older notation c.1824dupG).
Protein change: p.Arg609fs; shifts the reading frame from arginine 609.
Molecular consequence: frameshift variant.
Genome position (GRCh38, 1-based): chr16:89,778,803, C duplicated on the plus strand (G on the coding strand, the reverse complement: FANCA is on the minus strand). VCF-style (leftmost placement, unchanged base first): chr16-89778802-T-TC. GRCh37 (hg19) VCF-style: chr16-89845210-T-TC.
Other names: c.1824dup, p.Arg609fs (NM_001286167.3); c.1824dupG (NM_000135.2); short protein forms R609fs.
Identifiers: ClinVar variation 657429 (VCV000657429.6), dbSNP rs1598127082, ClinGen allele CA915949433.
Genomic context (GRCh38, chr16:89,778,802, plus strand): 5'-CTTCGCATTGTCAGAAGAAACCTGGAAGTAGTCATCCCCTTCTAACCGTTGCTGCATACC[T>TC]CTTCAGAGACTCTATAAACGCCACACGGGAGTCAGGGACTTTGGGGAGCTGTGGGAAGAG-3'